The following is an entry in ClinVar:

ClinVar aggregate classification (germline): Uncertain significance (1 of 4 stars; one submission).

Allele frequency attached by ClinVar (database versions not stated): gnomAD 0.00029; 1000 Genomes Project 30x 0.00031; TOPMed 0.00035; ExAC 0.00050; 1000 Genomes Project 0.00060.
gnomAD v4.1: 140 of 1,545,472 alleles (0.0091%); highest among the groups gnomAD compares: African/African-American, 0.086%; 1 homozygote.

Submission:

Labcorp Genetics (formerly Invitae), Labcorp
Classification: Uncertain significance. Last evaluated: 2024-11-05. Review status: criteria provided, single submitter. Criteria: Invitae Variant Classification Sherloc (09022015). Collection method: clinical testing. Allele origin: germline.
Comment: This sequence change replaces glycine, which is neutral and non-polar, with valine, which is neutral and non-polar, at codon 116 of the TERF2IP protein (p.Gly116Val). This variant is present in population databases (rs546081204, gnomAD 0.09%), and has an allele count higher than expected for a pathogenic variant. This variant has not been reported in the literature in individuals affected with TERF2IP-related conditions. ClinVar contains an entry for this variant (Variation ID: 2076476). An algorithm developed to predict the effect of missense changes on protein structure and function (PolyPhen-2) suggests that this variant¬†is likely to be tolerated. In summary, the available evidence is currently insufficient to determine the role of this variant in disease. Therefore, it has been classified as a Variant of Uncertain Significance.

NM_018975.4(TERF2IP):c.347G>T (p.Gly116Val)

Gene: TERF2IP (TERF2 interacting protein; plus strand). Cytogenetic location: 16q23.1.
Variant type: single nucleotide variant.
Coding change: c.347G>T on transcript NM_018975.4 (MANE Select); coding-DNA position 347, G replaced by T.
Protein change: p.Gly116Val; replaces glycine 116 with valine.
Molecular consequence: missense variant. On other transcripts: non-coding transcript variant (1).
Genome position (GRCh38, 1-based): chr16:75,648,229, G>T. VCF-style: chr16-75648229-G-T. GRCh37 (hg19) VCF-style: chr16-75682127-G-T.
Other names: short protein forms G116V.
Identifiers: ClinVar variation 2076476 (VCV002076476.3), dbSNP rs546081204, ClinGen allele CA8177983.